The following is an entry in ClinVar:

ClinVar aggregate classification (germline): Pathogenic (1 of 4 stars; one submission).

Conditions:
Breast-ovarian cancer, familial, susceptibility to, 1 (BROVCA1). Also called: BRCA1 Hereditary Breast and Ovarian Cancer; OVARIAN CANCER, SUSCEPTIBILITY TO. Identifiers: Orphanet 145, MedGen C2676676, MONDO:0011450, OMIM 604370. Disease mechanism: loss of function.

Submission:

Myriad Genetics, Inc.
Classification: Pathogenic for Breast-ovarian cancer, familial, susceptibility to, 1. Last evaluated: 2024-02-01. Review status: criteria provided, single submitter. Criteria: Myriad Autosomal Dominant, Autosomal Recessive and X-Linked Classification Criteria (2023). Collection method: clinical testing. Allele origin: unknown.
Comment: This variant is considered pathogenic. This variant creates a termination codon and is predicted to result in premature protein truncation.

NM_007294.4(BRCA1):c.4479delinsTT (p.Val1493_Glu1494insTer)

Gene: BRCA1 (BRCA1 DNA repair associated; minus strand). Cytogenetic location: 17q21.31.
Variant type: Indel.
Coding change: c.4479delinsTT on transcript NM_007294.4 (MANE Select); coding-DNA position 4479, G replaced by TT.
Protein change: p.Val1493_Glu1494insTer.
Molecular consequence: frameshift variant. On other transcripts: nonsense (1), intron variant (3).
Genome position (GRCh38, 1-based): chr17:43,076,493, C replaced by AA on the plus strand (G replaced by TT on the coding strand, the reverse complement: BRCA1 is on the minus strand). VCF-style: chr17-43076493-C-AA. GRCh37 (hg19) VCF-style: chr17-41228510-C-AA.
Other names: c.1167delinsTT, p.Val389_Glu390insTer (NM_001408472.1, NM_001407979.1, NM_001407980.1 and 12 more transcripts); c.1164delinsTT, p.Val388_Glu389insTer (NM_001408473.1, NM_001408392.1, NM_001408396.1 and 8 more transcripts); c.969delinsTT, p.Val323_Glu324insTer (NM_001408474.1); c.966delinsTT, p.Val322_Glu323insTer (NM_001408475.1, NM_001408476.1); c.960delinsTT, p.Val320_Glu321insTer (NM_001408478.1, NM_001408479.1, NM_001408480.1); c.1026delinsTT, p.Val342_Glu343insTer (NM_001408463.1, NM_001408464.1, NM_001408465.1 and 7 more transcripts); c.4215delinsTT, p.Val1405_Glu1406insTer (NM_001407920.1, NM_001407921.1, NM_001407922.1 and 4 more transcripts); c.4212delinsTT, p.Val1404_Glu1405insTer (NM_001407927.1, NM_001407928.1, NM_001407929.1 and 4 more transcripts); and 72 more.
Identifiers: ClinVar variation 3148692 (VCV003148692.1), dbSNP rs2551620475, ClinGen allele CA2825002505.